The following is an entry in ClinVar:

NM_007294.4(BRCA1):c.2783del (p.Gly928fs)

Gene: BRCA1 (BRCA1 DNA repair associated; minus strand). Cytogenetic location: 17q21.31.
Variant type: Deletion.
Coding change: c.2783del on transcript NM_007294.4 (MANE Select); coding-DNA position 2783, one base deleted (G; older notation c.2783delG).
Protein change: p.Gly928fs; shifts the reading frame from glycine 928.
Molecular consequence: frameshift variant. On other transcripts: intron variant (137).
Genome position (GRCh38, 1-based): chr17:43,092,748, C deleted on the plus strand (G on the coding strand, the reverse complement: BRCA1 is on the minus strand); the first of 2 consecutive C bases (chr17:43,092,748-43,092,749); deleting either gives the same sequence. VCF-style (leftmost placement, unchanged base first): chr17-43092747-GC-G. GRCh37 (hg19) VCF-style: chr17-41244764-GC-G.
Other names: c.2783delG (NM_007294.3); c.2570del, p.Gly857fs (NM_001407571.1, NM_001407853.1, NM_001407894.1 and 9 more transcripts); c.2783del, p.Gly928fs (NM_001407581.1, NM_001407582.1, NM_001407583.1 and 30 more transcripts); c.2780del, p.Gly927fs (NM_001407587.1, NM_001407590.1, NM_001407591.1 and 22 more transcripts); c.2774del, p.Gly925fs (NM_001407646.1, NM_001407647.1); c.2660del, p.Gly887fs (NM_001407648.1, NM_001407664.1, NM_001407665.1 and 19 more transcripts); c.2657del, p.Gly886fs (NM_001407649.1, NM_001407670.1, NM_001407671.1 and 11 more transcripts); c.2705del, p.Gly902fs (NM_001407653.1, NM_001407654.1, NM_001407655.1 and 4 more transcripts); and 43 more; short protein forms G881fs, G928fs, G817fs, G840fs, G858fs, G860fs, G880fs, G632fs.
Identifiers: ClinVar variation 422164 (VCV000422164.14), dbSNP rs1064795600, ClinGen allele CA16620433.

ClinVar aggregate classification (germline): Pathogenic. Review status: reviewed by expert panel (3 of 4 stars). 3 submissions from 3 submitters: Pathogenic (1). 2 of the submissions do not count toward it. Last evaluated 2017-12-15.

Conditions:
Hereditary breast ovarian cancer syndrome. Also called: Hereditary breast and ovarian cancer syndrome (HBOC); BRCA1- and BRCA2-Associated Hereditary Breast and Ovarian Cancer; Hereditary breast and/or ovarian cancer syndrome; Hereditary breast and ovarian cancer syndrome; Hereditary breast and ovarian cancer; Breast and ovarian cancer. Identifiers: Orphanet 145, MedGen C0677776, MeSH D061325, MONDO:0003582. Disease mechanism: loss of function.
Breast-ovarian cancer, familial, susceptibility to, 1 (BROVCA1). Also called: BRCA1 Hereditary Breast and Ovarian Cancer; OVARIAN CANCER, SUSCEPTIBILITY TO. Identifiers: Orphanet 145, MedGen C2676676, MONDO:0011450, OMIM 604370. Disease mechanism: loss of function.

Submissions (3):

Evidence-based Network for the Interpretation of Germline Mutant Alleles (ENIGMA)
Classification: Pathogenic for Breast-ovarian cancer, familial, susceptibility to, 1. Last evaluated: 2017-12-15. Review status: reviewed by expert panel. Criteria: ENIGMA BRCA1/2 Classification Criteria (2017-06-29). Collection method: curation. Allele origin: germline. Study: ENIGMA.
Comment: Variant allele predicted to encode a truncated non-functional protein.

Labcorp Genetics (formerly Invitae), Labcorp
Classification: Pathogenic for Hereditary breast ovarian cancer syndrome. Last evaluated: 2019-03-06. Review status: criteria provided, single submitter. Criteria: Invitae Variant Classification Sherloc (09022015). Collection method: clinical testing. Allele origin: germline. Not counted in ClinVar's aggregate classification.
Comment: For these reasons, this variant has been classified as Pathogenic. Loss-of-function variants in BRCA1 are known to be pathogenic (PMID: 20104584). This variant has been observed in an individual affected with breast cancer (PMID: 29752822). ClinVar contains an entry for this variant (Variation ID: 422164). This sequence change creates a premature translational stop signal (p.Gly928Alafs*72) in the BRCA1 gene. It is expected to result in an absent or disrupted protein product. This variant is not present in population databases (ExAC no frequency).

GeneDx
Classification: Pathogenic. Last evaluated: 2016-08-31. Review status: criteria provided, single submitter. Criteria: GeneDx Variant Classification (06012015). Collection method: clinical testing. Allele origin: germline. Affected: yes. Not counted in ClinVar's aggregate classification.
Comment: This deletion of one nucleotide in BRCA1 is denoted c.2783delG at the cDNA level and p.Gly928AlafsX72 (G928AfsX72) at the protein level. The normal sequence, with the base that is deleted in braces, is GCAG[G]CTTT. The deletion causes a frameshift which changes a Glycine to an Alanine at codon 928, and creates a premature stop codon at position 72 of the new reading frame. Although this variant has not, to our knowledge, been reported in the literature, it is predicted to cause loss of normal protein function through either protein truncation or nonsense-mediated mRNA decay. We consider this variant to be pathogenic.

Literature cited by the submitters: PubMed 20104584 (cited by Labcorp Genetics (formerly Invitae), Labcorp); PubMed 29752822 (cited by Labcorp Genetics (formerly Invitae), Labcorp).